The following is an entry in ClinVar:

ClinVar aggregate classification (germline): Pathogenic. Review status: criteria provided, multiple submitters, no conflicts (2 of 4 stars). 8 submissions from 8 submitters: Pathogenic (4). 4 of the submissions do not count toward it. Last evaluated 2025-11-14.

Conditions:
COL2A1-related disorder. Also called: COL2A1-related condition; COL2A1-related disorders.
Stickler syndrome. Identifiers: Orphanet 828, MedGen C0265253, MONDO:0019354.
Stickler syndrome type 1 (STL1). Also called: ARTHROOPHTHALMOPATHY, HEREDITARY PROGRESSIVE; STICKLER SYNDROME, MEMBRANOUS VITREOUS TYPE; STICKLER SYNDROME, VITREOUS TYPE 1; COL2A1-Related Stickler Syndrome. Identifiers: Orphanet 828, Orphanet 90653, MedGen C2020284, MONDO:0007160, OMIM 108300.
Stickler syndrome, type I, nonsyndromic ocular. Also called: STICKLER SYNDROME, TYPE I, PREDOMINANTLY OCULAR; STICKLER SYNDROME, ATYPICAL. Identifiers: MedGen C1836080, MONDO:0012287, OMIM 609508.

Submissions (8):

Cambridge Genomics Laboratory, East Genomic Laboratory Hub, NHS Genomic Medicine Service
Classification: Pathogenic for Stickler syndrome. Last evaluated: 2025-11-14. Review status: criteria provided, single submitter. Criteria: ACGS Best Practice Guidelines for Variant Classification in Rare Disease 2020. Collection method: clinical testing. Allele origin: germline. Affected: yes.
Comment: PVS1,PS4_Moderate,PM2

Labcorp Genetics (formerly Invitae), Labcorp
Classification: Pathogenic. Last evaluated: 2024-12-04. Review status: criteria provided, single submitter. Criteria: Invitae Variant Classification Sherloc (09022015). Collection method: clinical testing. Allele origin: germline.
Comment: This sequence change creates a premature translational stop signal (p.Cys64*) in the COL2A1 gene. It is expected to result in an absent or disrupted protein product. Loss-of-function variants in COL2A1 are known to be pathogenic (PMID: 20179744). This variant is not present in population databases (gnomAD no frequency). This premature translational stop signal has been observed in individual(s) with clinical features of Stickler syndrome (PMID: 17721977). ClinVar contains an entry for this variant (Variation ID: 17401). For these reasons, this variant has been classified as Pathogenic.

Victorian Clinical Genetics Services, Murdoch Childrens Research Institute
Classification: Pathogenic for Stickler syndrome type 1. Last evaluated: 2022-02-02. Review status: criteria provided, single submitter. Criteria: ACMG Guidelines, 2015. Collection method: clinical testing. Allele origin: germline. Inheritance: Autosomal dominant inheritance. Affected: yes.
Comment: Based on the classification scheme VCGS_Germline_v1.3.4, this variant is classified as Pathogenic. Following criteria are met: 0103 - Dominant negative and loss of function are known mechanisms of disease in this gene. Missense variants affecting glycine residue exert dominant-negative effect and is commonly associated with spondyloepiphyseal dysplasia (SED) (PMID: 15895462). (I) 0107 - This gene is associated with autosomal dominant disease. (I) 0115 - Variants in this gene are known to have variable expressivity. Both inter and intra-familial variability have been reported (GeneReviews). (I) 0209 - Splice site variant proven to affect splicing of the transcript with uncertain effect on protein sequence. Although this variant does not lie within a splice region, minigene assays have demonstrated skipping of exon 2 (PMID: 17721977). However, nonsense-mediated decay has not been excluded. (SP) 0251 - This variant is heterozygous. (I) 0301 - Variant is absent from gnomAD (both v2 and v3). (SP) 0801 - This variant has strong previous evidence of pathogenicity in unrelated individuals. It has been identified in at least five unrelated probands with Sticker syndrome (MIM#108300), including a large family with eighteen affected individuals. In addition, this variant has been classified as pathogenic by diagnostic laboratories in ClinVar (PMID: 17721977, 20513134, 22574936). (SP) 1208 - Inheritance information for this variant is not currently available in this individual. (I) Legend: (SP) - Supporting pathogenic, (I) - Information, (SB) - Supporting benign

GeneDx
Classification: Pathogenic. Last evaluated: 2018-11-20. Review status: criteria provided, single submitter. Criteria: GeneDx Variant Classification (06012015). Collection method: clinical testing. Allele origin: germline. Affected: yes.
Comment: The C64X variant in the COL2A1 gene has been reported previously in individuals with a predominantly ocular form of Stickler syndrome characterized by myopia and retinal detachment with cataract, perivascular pigmentation, and peripapillary retinal pigmentary atrophy reported in some individuals (McAlinden et al., 2008; Edwards et al., 2012). This variant is predicted to cause loss of normal protein function either through protein truncation or nonsense-mediated mRNA decay. The C64X variant is not observed in large population cohorts (Lek et al., 2016). We interpret C64X as a pathogenic variant.

PreventionGenetics, part of Exact Sciences
Classification: Pathogenic for COL2A1-related condition. Last evaluated: 2023-12-21. Review status: no assertion criteria provided. Collection method: clinical testing. Allele origin: germline. Not counted in ClinVar's aggregate classification.
Comment: The COL2A1 c.192C>A variant is predicted to result in premature protein termination (p.Cys64*). This variant has been reported in two unrelated individual with Stickler syndrome who displayed only the ocular phenotypes (McAlinden et al. 2008. PubMed ID: 17721977). This variant has not been reported in the large population database gnomAD, indicating this variant is rare. Nonsense variants in COL2A1 are expected to be pathogenic. Given the evidence, we interpret this variant as pathogenic.

OMIM
Classification: Pathogenic for STICKLER SYNDROME, TYPE I, NONSYNDROMIC OCULAR. Last evaluated: 2008-01-01. Review status: no assertion criteria provided. Collection method: literature only. Allele origin: germline. Not counted in ClinVar's aggregate classification.

Diagnostic Laboratory, Department of Genetics, University Medical Center Groningen
Classification: Pathogenic. Review status: no assertion criteria provided. Collection method: clinical testing. Allele origin: germline. Affected: yes. Study: VKGL Data-share Consensus. Not counted in ClinVar's aggregate classification.

Joint Genome Diagnostic Labs from Nijmegen and Maastricht, Radboudumc and MUMC+
Classification: Pathogenic. Review status: no assertion criteria provided. Collection method: clinical testing. Allele origin: germline. Affected: yes. Study: VKGL Data-share Consensus. Not counted in ClinVar's aggregate classification.

Literature cited by the submitters: PubMed 20179744 (cited by Labcorp Genetics (formerly Invitae), Labcorp); PubMed 17721977 (cited by 3 submitters); PubMed 15895462 (cited by Victorian Clinical Genetics Services, Murdoch Childrens Research Institute); PubMed 20513134 (cited by Victorian Clinical Genetics Services, Murdoch Childrens Research Institute); PubMed 22574936 (cited by Victorian Clinical Genetics Services, Murdoch Childrens Research Institute).

NM_001844.5(COL2A1):c.192C>A (p.Cys64Ter)

Gene: COL2A1 (collagen type II alpha 1 chain; minus strand). Cytogenetic location: 12q13.11.
Variant type: single nucleotide variant.
Coding change: c.192C>A on transcript NM_001844.5 (MANE Select); coding-DNA position 192, C replaced by A.
Protein change: p.Cys64Ter; replaces cysteine 64 with a stop codon.
Molecular consequence: nonsense. On other transcripts: intron variant (1).
Genome position (GRCh38, 1-based): chr12:48,000,019, G>T on the plus strand (C>A on the coding strand, the complement: COL2A1 is on the minus strand). VCF-style: chr12-48000019-G-T. GRCh37 (hg19) VCF-style: chr12-48393802-G-T.
Other names: c.86-1588C>A (NM_033150.3); short protein forms C64*.
Identifiers: ClinVar variation 17401 (VCV000017401.16), dbSNP rs121912897, ClinGen allele CA127183.